The following is an entry in ClinVar:

ClinVar aggregate classification (germline): Conflicting classifications of pathogenicity. Review status: criteria provided, conflicting classifications (1 of 4 stars). 3 submissions from 3 submitters: Uncertain significance (1); Likely benign (2). Last evaluated 2025-09-06.

Conditions:
Nemaline myopathy 2 (NEM2). Also called: Nemaline myopathy 2, autosomal recessive. Identifiers: MedGen C1850569, MONDO:0009725, OMIM 256030.

Allele frequency attached by ClinVar (database versions not stated): gnomAD exomes 0.00002 and 0.00003; ExAC 0.00003; gnomAD 0.00003; TOPMed 0.00003.
gnomAD v4.1: 38 of 1,609,138 alleles (0.0024%); highest among the groups gnomAD compares: Admixed American, 0.0017%; no homozygotes.

Submissions (3):

Labcorp Genetics (formerly Invitae), Labcorp
Classification: Likely benign for Nemaline myopathy 2. Last evaluated: 2025-09-06. Review status: criteria provided, single submitter. Criteria: Invitae Variant Classification Sherloc (09022015). Collection method: clinical testing. Allele origin: germline.

Illumina Laboratory Services, Illumina
Classification: Uncertain significance for Nemaline myopathy 2. Last evaluated: 2018-01-13. Review status: criteria provided, single submitter. Criteria: ICSL Variant Classification Criteria 13 December 2019. Collection method: clinical testing. Allele origin: germline.

GeneDx
Classification: Likely benign. Last evaluated: 2017-12-05. Review status: criteria provided, single submitter. Criteria: GeneDx Variant Classification (06012015). Collection method: clinical testing. Allele origin: germline. Affected: yes.
Comment: This variant is considered likely benign or benign based on one or more of the following criteria: it is a conservative change, it occurs at a poorly conserved position in the protein, it is predicted to be benign by multiple in silico algorithms, and/or has population frequency not consistent with disease.

NM_001164508.2(NEB):c.11915T>G (p.Leu3972Arg)

Gene: NEB (nebulin; minus strand). Cytogenetic location: 2q23.3.
Variant type: single nucleotide variant.
Coding change: c.11915T>G on transcript NM_001164508.2 (MANE Select); coding-DNA position 11915, T replaced by G.
Protein change: p.Leu3972Arg; replaces leucine 3972 with arginine.
Molecular consequence: missense variant.
Genome position (GRCh38, 1-based): chr2:151,610,619, A>C on the plus strand (T>G on the coding strand, the complement: NEB is on the minus strand). VCF-style: chr2-151610619-A-C. GRCh37 (hg19) VCF-style: chr2-152467133-A-C.
Other names: c.11915T>G, p.Leu3972Arg (NM_001164507.2, NM_001271208.2); c.11186T>G, p.Leu3729Arg (NM_004543.5); short protein forms L3972R, L3729R.
Identifiers: ClinVar variation 508917 (VCV000508917.9), dbSNP rs769145449, ClinGen allele CA1908628.